The following is an entry in ClinVar:

ClinVar aggregate classification (germline): Conflicting classifications of pathogenicity. Review status: criteria provided, conflicting classifications (1 of 4 stars). 4 submissions from 3 submitters: Uncertain significance (1); Likely benign (3). Last evaluated 2025-11-01.

Conditions:
Hereditary cancer-predisposing syndrome. Also called: Tumor predisposition; Neoplastic Syndromes, Hereditary; Hereditary Cancer Syndrome; Hereditary neoplastic syndrome. Identifiers: Orphanet 140162, MedGen C0027672, MeSH D009386, MONDO:0015356.
Ataxia-telangiectasia-like disorder (ATLD). Identifiers: MedGen C1858391, MONDO:0011457.

Allele frequency attached by ClinVar (database versions not stated): gnomAD exomes below 0.00001; ExAC 0.00001.
gnomAD v4.1: 3 of 1,613,568 alleles (0.00019%); highest among the groups gnomAD compares: Non-Finnish European, 0.00025%; no homozygotes.

Submissions (4):

CeGaT Center for Human Genetics Tuebingen
Classification: Likely benign. Last evaluated: 2025-11-01. Review status: criteria provided, single submitter. Criteria: CeGaT Center For Human Genetics Tuebingen Variant Classification Criteria Version 2. Collection method: clinical testing. Allele origin: germline. Affected: yes. Observed: 1 variant allele.
Comment: MRE11: BP4, BP7

Labcorp Genetics (formerly Invitae), Labcorp
Classification: Likely benign for Ataxia-telangiectasia-like disorder. Last evaluated: 2024-08-31. Review status: criteria provided, single submitter. Criteria: Invitae Variant Classification Sherloc (09022015). Collection method: clinical testing. Allele origin: germline.

Ambry Genetics
Classification: Likely benign for Hereditary cancer-predisposing syndrome. Last evaluated: 2016-09-08. Review status: criteria provided, single submitter. Criteria: Ambry Variant Classification Scheme 2023. Collection method: clinical testing. Allele origin: germline.

Labcorp Genetics (formerly Invitae), Labcorp
Classification: Uncertain significance for Hereditary cancer-predisposing syndrome. Last evaluated: 2015-05-28. Review status: criteria provided, single submitter. Criteria: Invitae Variant Classification Sherloc (09022015). Collection method: clinical testing. Allele origin: germline.

NM_005591.4(MRE11):c.1974C>T (p.Thr658=)

Gene: MRE11 (MRE11 double strand break repair nuclease; minus strand). Cytogenetic location: 11q21.
Variant type: single nucleotide variant.
Coding change: c.1974C>T on transcript NM_005591.4 (MANE Select); coding-DNA position 1974, C replaced by T.
Protein change: p.Thr658=; no amino-acid change (threonine 658 retained).
Molecular consequence: synonymous variant.
Genome position (GRCh38, 1-based): chr11:94,435,852, G>A on the plus strand (C>T on the coding strand, the complement: MRE11 is on the minus strand). VCF-style: chr11-94435852-G-A. GRCh37 (hg19) VCF-style: chr11-94169018-G-A.
Other names: c.1971C>T, p.Thr657= (NM_001330347.2); c.1890C>T, p.Thr630= (NM_005590.4).
Identifiers: ClinVar variation 216610 (VCV000216610.17), dbSNP rs772019392, ClinGen allele CA339075.